The following is an entry in ClinVar:

ClinVar aggregate classification (germline): Uncertain significance. Review status: criteria provided, multiple submitters, no conflicts (2 of 4 stars). 2 submissions from 2 submitters: Uncertain significance (2). Last evaluated 2024-10-25.

Conditions:
Leber congenital amaurosis 12 (LCA12). Identifiers: Orphanet 65, MedGen C1857743, MONDO:0012525, OMIM 610612.

Allele frequency attached by ClinVar (database versions not stated): ExAC 0.00003; gnomAD 0.00004; gnomAD exomes 0.00004.

Submissions (2):

Labcorp Genetics (formerly Invitae), Labcorp
Classification: Uncertain significance for Leber congenital amaurosis 12. Last evaluated: 2024-10-25. Review status: criteria provided, single submitter. Criteria: Invitae Variant Classification Sherloc (09022015). Collection method: clinical testing. Allele origin: germline.
Comment: This sequence change replaces glycine, which is neutral and non-polar, with valine, which is neutral and non-polar, at codon 57 of the RD3 protein (p.Gly57Val). This variant is present in population databases (rs767481165, gnomAD 0.008%). This missense change has been observed in individual(s) with retinal degeneration (PMID: 17186464). ClinVar contains an entry for this variant (Variation ID: 1403723). An algorithm developed to predict the effect of missense changes on protein structure and function (PolyPhen-2) suggests that this variant is likely to be disruptive. Experimental studies have shown that this missense change affects RD3 function (PMID: 21928830). In summary, the available evidence is currently insufficient to determine the role of this variant in disease. Therefore, it has been classified as a Variant of Uncertain Significance.

Blueprint Genetics
Classification: Uncertain significance. Last evaluated: 2024-04-08. Review status: criteria provided, single submitter. Criteria: ACMG Guidelines, 2015. Collection method: clinical testing. Allele origin: germline.

Literature cited by the submitters: PubMed 17186464 (cited by Labcorp Genetics (formerly Invitae), Labcorp); PubMed 21928830 (cited by Labcorp Genetics (formerly Invitae), Labcorp).

NM_001164688.2(RD3):c.170G>T (p.Gly57Val)

Gene: RD3 (RD3 regulator of GUCY2D; minus strand). Cytogenetic location: 1q32.3.
Variant type: single nucleotide variant.
Coding change: c.170G>T on transcript NM_001164688.2 (MANE Select); coding-DNA position 170, G replaced by T.
Protein change: p.Gly57Val; replaces glycine 57 with valine.
Molecular consequence: missense variant.
Genome position (GRCh38, 1-based): chr1:211,481,246, C>A on the plus strand (G>T on the coding strand, the complement: RD3 is on the minus strand). VCF-style: chr1-211481246-C-A. GRCh37 (hg19) VCF-style: chr1-211654588-C-A.
Other names: c.170G>T, p.Gly57Val (NM_183059.3); short protein forms G57V.
Identifiers: ClinVar variation 1403723 (VCV001403723.5), dbSNP rs767481165, ClinGen allele CA1381135.